The following is an entry in ClinVar:

NM_000256.3(MYBPC3):c.534_541del (p.Ala179fs)

Gene: MYBPC3 (myosin binding protein C3; minus strand). Cytogenetic location: 11p11.2.
Variant type: Deletion.
Coding change: c.534_541del on transcript NM_000256.3 (MANE Select); coding-DNA positions 534 to 541, 8 bases deleted (GGCCGGCG; older notation c.534_541delGGCCGGCG).
Protein change: p.Ala179fs; shifts the reading frame from alanine 179.
Molecular consequence: frameshift variant.
Genome position (GRCh38, 1-based): chr11:47,349,887-47,349,894, CGCCGGCC deleted on the plus strand (GGCCGGCG on the coding strand, the reverse complement: MYBPC3 is on the minus strand). VCF-style (leftmost placement, unchanged base first): chr11-47349886-GCGCCGGCC-G. GRCh37 (hg19) VCF-style: chr11-47371437-GCGCCGGCC-G.
Other names: short protein forms A179fs.
Identifiers: ClinVar variation 4293017 (VCV004293017.1).

ClinVar aggregate classification (germline): Pathogenic (1 of 4 stars; one submission).

Conditions:
Hypertrophic cardiomyopathy 4. Also called: Familial hypertrophic cardiomyopathy 4. Identifiers: MedGen C1861862, MONDO:0007268, OMIM 115197.

Submission:

3billion
Classification: Pathogenic for Hypertrophic cardiomyopathy 4. Last evaluated: 2024-08-21. Review status: criteria provided, single submitter. Criteria: ACMG Guidelines, 2015. Collection method: clinical testing. Allele origin: germline. Affected: yes.
Comment: The variant is not observed in the gnomAD v4.0.0 dataset. Predicted Consequence/Location: Frameshift: predicted to result in a loss or disruption of normal protein function through nonsense-mediated decay (NMD) or protein truncation. Multiple pathogenic variants are reported downstream of the variant. The variant has been reported to be associated with MYBPC3 related disorder (PMID: 23233322). Therefore, this variant is classified as Pathogenic according to the recommendation of ACMG/AMP guideline.

Literature cited by the submitters: PubMed 23233322.